The following is an entry in ClinVar:

NM_001148.6(ANK2):c.2027A>T (p.Asp676Val)

Gene: ANK2 (ankyrin 2; plus strand). Cytogenetic location: 4q26.
Variant type: single nucleotide variant.
Coding change: c.2027A>T on transcript NM_001148.6 (MANE Select); coding-DNA position 2027, A replaced by T.
Protein change: p.Asp676Val; replaces aspartic acid 676 with valine.
Molecular consequence: missense variant.
Genome position (GRCh38, 1-based): chr4:113,282,820, A>T. VCF-style: chr4-113282820-A-T. GRCh37 (hg19) VCF-style: chr4-114203976-A-T.
Other names: c.1940A>T, p.Asp647Val (NM_001386162.1, NM_001354249.2, NM_001354274.2 and 10 more transcripts); c.2078A>T, p.Asp693Val (NM_001386174.1); c.2054A>T, p.Asp685Val (NM_001386175.1); c.2015A>T, p.Asp672Val (NM_001386186.2, NM_001386148.2); c.1991A>T, p.Asp664Val (NM_001386187.2); c.2027A>T, p.Asp676Val (NM_020977.5, NM_001354225.2, NM_001354228.2 and 6 more transcripts); c.1964A>T, p.Asp655Val (NM_001127493.3, NM_001354252.2, NM_001354254.2 and 10 more transcripts); c.2072A>T, p.Asp691Val (NM_001354230.2, NM_001354231.2, NM_001386144.1 and 5 more transcripts); and 8 more; short protein forms D548V, D581V, D606V, D610V, D614V, D622V, D643V, D647V.
Identifiers: ClinVar variation 3253483 (VCV003253483.3), dbSNP rs2495911542.

ClinVar aggregate classification (germline): Conflicting classifications of pathogenicity. Review status: criteria provided, conflicting classifications (1 of 4 stars). 2 submissions from 2 submitters: Likely pathogenic (1); Uncertain significance (1). Last evaluated 2024-10-01.

Conditions:
Complex neurodevelopmental disorder. Identifiers: Orphanet 528084, MedGen C5568766, MONDO:0100038.

Allele frequency attached by ClinVar (database versions not stated): gnomAD exomes below 0.00001.
gnomAD v4.1: 1 of 1,614,050 alleles (0.000062%); highest among the groups gnomAD compares: East Asian, 0.0022%; no homozygotes.

Submissions (2):

Clinical Genomic Analysis (GENYSIS) Core, University of North Carolina at Chapel Hill
Classification: Likely pathogenic for Complex neurodevelopmental disorder. Last evaluated: 2024-10-01. Review status: criteria provided, single submitter. Criteria: ACMG Guidelines, 2015. Collection method: research. Allele origin: de novo. Observed: 1 heterozygote. Study: UNC Genetic Determinants of Neurological and Developmental Disorders (GDNDD) Study.
Comment: ANK2 c.2027A>T; p.(Asp676Val) is a missense variant in exon 18 of 46 that changes a single highly conserved amino acid from an aspartic acid to a valine in both the short and neuron-specific long protein isoforms. To our knowledge, the ANK2 c.2027A>T; p.(Asp676Val) variant has not been reported in the literature or ClinVar. This is a very rare variant present at an allele frequency of 0.00006% (1/1,614,050 alleles) in the gnomADv4.1 population database. This variant is located in an ankyrin repeat within the membrane binding domain of the encoded protein and is predicted by in silico tools to have a damaging effect on protein function. Based on the available information, we consider this variant likely pathogenic. ACMG codes: PS2 (confirmed de novo), PM2_Supporting (absent from gnomAD), PP2 (missense z-score > 3.09), PP3_Moderate (REVEL score between 0.773 and 0.932).

GeneDx
Classification: Uncertain significance. Last evaluated: 2023-11-30. Review status: criteria provided, single submitter. Criteria: GeneDx Variant Classification Process June 2021. Collection method: clinical testing. Allele origin: germline. Affected: yes.
Comment: Not observed at significant frequency in large population cohorts (gnomAD); In silico analysis supports that this missense variant has a deleterious effect on protein structure/function; Has not been previously published as pathogenic or benign to our knowledge